The following is an entry in ClinVar:

NM_000203.5(IDUA):c.1875C>G (p.Tyr625Ter)

Gene: IDUA (alpha-L-iduronidase; plus strand). Cytogenetic location: 4p16.3.
Variant type: single nucleotide variant.
Coding change: c.1875C>G on transcript NM_000203.5 (MANE Select); coding-DNA position 1875, C replaced by G.
Protein change: p.Tyr625Ter; replaces tyrosine 625 with a stop codon.
Molecular consequence: nonsense. On other transcripts: non-coding transcript variant (1).
Genome position (GRCh38, 1-based): chr4:1,004,306, C>G. VCF-style: chr4-1004306-C-G. GRCh37 (hg19) VCF-style: chr4-998094-C-G.
Other names: NM_001363576.1:c.1479C>G; c.1479C>G, p.Tyr493Ter (NM_001363576.1); short protein forms Y493*, Y625*.
Identifiers: ClinVar variation 4871853 (VCV004871853.1).

ClinVar aggregate classification (germline): Uncertain significance (3 of 4 stars; one submission).

Conditions:
Mucopolysaccharidosis type 1. Also called: IDUA deficiency; MPS I; Mucopolysaccharidosis Type I. Identifiers: Orphanet 579, MedGen C0023786, MONDO:0001586.

Submission:

ClinGen Lysosomal Storage Disorder Variant Curation Expert Panel
Classification: Uncertain significance for Mucopolysaccharidosis type 1. Last evaluated: 2026-05-04. Review status: reviewed by expert panel. Criteria: ClinGen LSD ACMG Specifications IDUA V1.2.0. Collection method: curation. Allele origin: germline. Inheritance: Autosomal recessive inheritance.
Comment: The NM_000203.5:c.1875C>G variant in IDUA is a nonsense variant predicted to cause a premature stop codon in the last exon of the gene, p.(Tyr625Ter), and therefore to escape nonsense-mediated decay. Less than 10% of the protein is predicted to be removed (PVS1_Moderate). The variant has been detected in at least one proband with MPS1 (PMIDs: 35614200). However, no clinical data was provided (insufficient data to apply PP4). This variant is absent in gnomAD v4.1.0. (PM2_Supporting). In summary, this variant meets the criteria to be classified as a Variant of Uncertain Significance for MPS1 based on the IDUA-specific ACMG/AMP criteria applied, as specified by the ClinGen Lysosomal Disease Variant Curation Expert Panel (Specifications Version 1.2.0): PVS1_Moderate, PM2_Supporting (Classification approved by the ClinGen Lysosomal Disease Variant Curation Expert Panel on May 4, 2026)